The following is an entry in ClinVar:

ClinVar aggregate classification (germline): Uncertain significance (1 of 4 stars; one submission).

Allele frequency attached by ClinVar (database versions not stated): TOPMed 0.00001; ExAC 0.00004; gnomAD exomes 0.00011.
gnomAD v4.1: 143 of 1,564,202 alleles (0.0091%); highest among the groups gnomAD compares: Non-Finnish European, 0.012%; no homozygotes.

Submission:

Labcorp Genetics (formerly Invitae), Labcorp
Classification: Uncertain significance. Last evaluated: 2022-08-22. Review status: criteria provided, single submitter. Criteria: Invitae Variant Classification Sherloc (09022015). Collection method: clinical testing. Allele origin: germline.
Comment: This sequence change replaces isoleucine, which is neutral and non-polar, with valine, which is neutral and non-polar, at codon 360 of the LTBP4 protein (p.Ile360Val). The frequency data for this variant in the population databases is considered unreliable, as metrics indicate poor data quality at this position in the gnomAD database. This variant has not been reported in the literature in individuals affected with LTBP4-related conditions. Experimental studies and prediction algorithms are not available or were not evaluated, and the functional significance of this variant is currently unknown. In summary, the available evidence is currently insufficient to determine the role of this variant in disease. Therefore, it has been classified as a Variant of Uncertain Significance.

NM_001042545.2(LTBP4):c.988A>G (p.Ile330Val)

Gene: LTBP4 (latent transforming growth factor beta binding protein 4; plus strand). Cytogenetic location: 19q13.2.
Variant type: single nucleotide variant.
Coding change: c.988A>G on transcript NM_001042545.2 (MANE Select); coding-DNA position 988, A replaced by G.
Protein change: p.Ile330Val; replaces isoleucine 330 with valine.
Molecular consequence: missense variant.
Genome position (GRCh38, 1-based): chr19:40,606,523, A>G. VCF-style: chr19-40606523-A-G. GRCh37 (hg19) VCF-style: chr19-41112429-A-G.
Other names: c.1189A>G, p.Ile397Val (NM_001042544.1); c.1078A>G, p.Ile360Val (NM_003573.2); short protein forms I330V, I397V, I360V.
Identifiers: ClinVar variation 1998622 (VCV001998622.1), dbSNP rs768088974, ClinGen allele CA9448157.